The following is an entry in ClinVar:

ClinVar aggregate classification (germline): Uncertain significance. Review status: criteria provided, multiple submitters, no conflicts (2 of 4 stars). 2 submissions from 2 submitters: Uncertain significance (2). Last evaluated 2025-10-23.

Conditions:
Familial thoracic aortic aneurysm and aortic dissection (TAAD). Also called: Thoracic aortic aneurysms and dissections. Identifiers: Orphanet 91387, MedGen C4707243, MONDO:0019625.
Congenital contractural arachnodactyly (CCA). Also called: BEALS SYNDROME; Beals-Hecht syndrome; Arthrogryposis, distal, type 9. Identifiers: Orphanet 115, MedGen C0220668, MONDO:0007363, OMIM 121050.

Allele frequency attached by ClinVar (database versions not stated): gnomAD exomes below 0.00001; ExAC 0.00001; gnomAD 0.00001; TOPMed 0.00001; ESP Exome Variant Server 0.00008.
gnomAD v4.1: 6 of 1,613,410 alleles (0.00037%); highest among the groups gnomAD compares: African/African-American, 0.0013%; no homozygotes.

Submissions (2):

Labcorp Genetics (formerly Invitae), Labcorp
Classification: Uncertain significance for Congenital contractural arachnodactyly. Last evaluated: 2025-10-23. Review status: criteria provided, single submitter. Criteria: Invitae Variant Classification Sherloc (09022015). Collection method: clinical testing. Allele origin: germline.
Comment: This sequence change replaces alanine, which is neutral and non-polar, with glycine, which is neutral and non-polar, at codon 502 of the FBN2 protein (p.Ala502Gly). This variant is present in population databases (rs369405711, gnomAD 0.0009%). This variant has not been reported in the literature in individuals affected with FBN2-related conditions. ClinVar contains an entry for this variant (Variation ID: 519833). Invitae Evidence Modeling of protein sequence and biophysical properties (such as structural, functional, and spatial information, amino acid conservation, physicochemical variation, residue mobility, and thermodynamic stability) indicates that this missense variant is not expected to disrupt FBN2 protein function with a negative predictive value of 80%. In summary, the available evidence is currently insufficient to determine the role of this variant in disease. Therefore, it has been classified as a Variant of Uncertain Significance.

Ambry Genetics
Classification: Uncertain significance for Familial thoracic aortic aneurysm and aortic dissection. Last evaluated: 2025-01-21. Review status: criteria provided, single submitter. Criteria: Ambry Variant Classification Scheme 2023. Collection method: clinical testing. Allele origin: germline.
Comment: The p.A502G variant (also known as c.1505C>G), located in coding exon 11 of the FBN2 gene, results from a C to G substitution at nucleotide position 1505. The alanine at codon 502 is replaced by glycine, an amino acid with similar properties. This amino acid position is not well conserved in available vertebrate species. In addition, this alteration is predicted to be tolerated by in silico analysis. Since supporting evidence is limited at this time, the clinical significance of this alteration remains unclear.

NM_001999.4(FBN2):c.1505C>G (p.Ala502Gly)

Gene: FBN2 (fibrillin 2; minus strand). Cytogenetic location: 5q23.3.
Variant type: single nucleotide variant.
Coding change: c.1505C>G on transcript NM_001999.4 (MANE Select); coding-DNA position 1505, C replaced by G.
Protein change: p.Ala502Gly; replaces alanine 502 with glycine.
Molecular consequence: missense variant.
Genome position (GRCh38, 1-based): chr5:128,392,116, G>C on the plus strand (C>G on the coding strand, the complement: FBN2 is on the minus strand). VCF-style: chr5-128392116-G-C. GRCh37 (hg19) VCF-style: chr5-127727809-G-C.
Other names: short protein forms A502G.
Identifiers: ClinVar variation 519833 (VCV000519833.7), dbSNP rs369405711, ClinGen allele CA3395783.
Genomic context (GRCh38, chr5:128,392,116, plus strand): 5'-TTGCATTCACATCGGTAGCTTGAGACAGTTGGTATACAGCGTCCATTTAAACAAAGGTTA[G>C]CATGATGCTTACAGATATCTATTGTCTGGTTCAGAATTGCTACGGAAAATTAAAGCACAA-3'
Protein context (NP_001990.2, residues 492-512): NQTIDICKHH[Ala502Gly]NLCLNGRCIP